The following is an entry in ClinVar:

NM_020778.5(ALPK3):c.578_580dup (p.Leu193_Arg194insLeu)

Gene: ALPK3 (alpha kinase 3; plus strand). Cytogenetic location: 15q25.3.
Variant type: Duplication.
Coding change: c.578_580dup on transcript NM_020778.5 (MANE Select); coding-DNA positions 578 to 580, 3 bases duplicated (TGC; older notation c.578_580dupTGC).
Protein change: p.Leu193_Arg194insLeu.
Genome position (GRCh38, 1-based): chr15:84,839,857-84,839,859, TGC duplicated; duplicating any 3 consecutive bases within chr15:84,839,855-84,839,859 gives the same sequence; the c. name uses the placement nearest the transcript's 3' end. VCF-style (leftmost placement, unchanged base first): chr15-84839854-A-AGCT. GRCh37 (hg19) VCF-style: chr15-85383085-A-AGCT.
Identifiers: ClinVar variation 3649720 (VCV003649720.2).

ClinVar aggregate classification (germline): Uncertain significance (1 of 4 stars; one submission).

Submission:

Labcorp Genetics (formerly Invitae), Labcorp
Classification: Uncertain significance. Last evaluated: 2024-12-09. Review status: criteria provided, single submitter. Criteria: Invitae Variant Classification Sherloc (09022015). Collection method: clinical testing. Allele origin: germline.
Comment: This variant, c.1184_1186dup, results in the insertion of 1 amino acid(s) of the ALPK3 protein (p.Leu395dup), but otherwise preserves the integrity of the reading frame. This variant is present in population databases (rs754016665, gnomAD 0.003%). This variant has not been reported in the literature in individuals affected with ALPK3-related conditions. In summary, the available evidence is currently insufficient to determine the role of this variant in disease. Therefore, it has been classified as a Variant of Uncertain Significance.